The following is an entry in ClinVar:

ClinVar aggregate classification (germline): Uncertain significance. Review status: criteria provided, multiple submitters, no conflicts (2 of 4 stars). 2 submissions from 2 submitters: Uncertain significance (2). Last evaluated 2025-08-07.

Conditions:
Mosaic variegated aneuploidy syndrome 2 (MVA2). Identifiers: Orphanet 1052, MedGen C3279843, MONDO:0013582, OMIM 614114.
Inborn genetic diseases. Identifiers: MedGen C0950123, MeSH D030342.

Allele frequency attached by ClinVar (database versions not stated): gnomAD exomes below 0.00001; gnomAD 0.00001; TOPMed 0.00001.
gnomAD v4.1: 5 of 1,613,914 alleles (0.00031%); highest among the groups gnomAD compares: Admixed American, 0.0017%; no homozygotes.

Submissions (2):

Labcorp Genetics (formerly Invitae), Labcorp
Classification: Uncertain significance for Mosaic variegated aneuploidy syndrome 2. Last evaluated: 2025-08-07. Review status: criteria provided, single submitter. Criteria: Invitae Variant Classification Sherloc (09022015). Collection method: clinical testing. Allele origin: germline.
Comment: This sequence change replaces proline, which is neutral and non-polar, with threonine, which is neutral and polar, at codon 351 of the CEP57 protein (p.Pro351Thr). This variant is not present in population databases (gnomAD no frequency). This variant has not been reported in the literature in individuals affected with CEP57-related conditions. ClinVar contains an entry for this variant (Variation ID: 1006057). Invitae Evidence Modeling of protein sequence and biophysical properties (such as structural, functional, and spatial information, amino acid conservation, physicochemical variation, residue mobility, and thermodynamic stability) indicates that this missense variant is not expected to disrupt CEP57 protein function with a negative predictive value of 80%. In summary, the available evidence is currently insufficient to determine the role of this variant in disease. Therefore, it has been classified as a Variant of Uncertain Significance.

Ambry Genetics
Classification: Uncertain significance for Inborn genetic diseases. Last evaluated: 2025-01-25. Review status: criteria provided, single submitter. Criteria: Ambry Variant Classification Scheme 2023. Collection method: clinical testing. Allele origin: germline.
Comment: The p.P351T variant (also known as c.1051C>A), located in coding exon 9 of the CEP57 gene, results from a C to A substitution at nucleotide position 1051. The proline at codon 351 is replaced by threonine, an amino acid with highly similar properties. This amino acid position is conserved. In addition, this alteration is predicted to be tolerated by in silico analysis. Based on the available evidence, the clinical significance of this variant remains unclear.

NM_014679.5(CEP57):c.1051C>A (p.Pro351Thr)

Gene: CEP57 (centrosomal protein 57; plus strand). Cytogenetic location: 11q21.
Variant type: single nucleotide variant.
Coding change: c.1051C>A on transcript NM_014679.5 (MANE Select); coding-DNA position 1051, C replaced by A.
Protein change: p.Pro351Thr; replaces proline 351 with threonine.
Molecular consequence: missense variant.
Genome position (GRCh38, 1-based): chr11:95,827,951, C>A. VCF-style: chr11-95827951-C-A. GRCh37 (hg19) VCF-style: chr11-95561115-C-A.
Other names: c.1024C>A, p.Pro342Thr (NM_001243776.2); c.973C>A, p.Pro325Thr (NM_001243777.2); c.970C>A, p.Pro324Thr (NM_001363604.2); c.1051C>A (NM_014679.4); short protein forms P324T, P325T, P342T, P351T.
Identifiers: ClinVar variation 1006057 (VCV001006057.10), dbSNP rs1227528568, ClinGen allele CA382408302.